The following is an entry in ClinVar:

ClinVar aggregate classification (germline): Benign. Review status: criteria provided, multiple submitters, no conflicts (2 of 4 stars). 3 submissions from 3 submitters: Benign (3). Last evaluated 2025-10-02.

Allele frequency attached by ClinVar (database versions not stated): TOPMed 0.00065; ESP Exome Variant Server 0.00085; 1000 Genomes Project 30x 0.00094; 1000 Genomes Project 0.00120; gnomAD exomes 0.00174 and 0.00267; gnomAD 0.00221 and 0.00233; ExAC 0.00242.
gnomAD v4.1: 2,837 of 1,612,592 alleles (0.18%); highest among the groups gnomAD compares: Non-Finnish European, 0.14%; 10 homozygotes.

Submissions (3):

Labcorp Genetics (formerly Invitae), Labcorp
Classification: Benign. Last evaluated: 2025-10-02. Review status: criteria provided, single submitter. Criteria: Invitae Variant Classification Sherloc (09022015). Collection method: clinical testing. Allele origin: germline.

CeGaT Center for Human Genetics Tuebingen
Classification: Benign. Last evaluated: 2025-09-01. Review status: criteria provided, single submitter. Criteria: CeGaT Center For Human Genetics Tuebingen Variant Classification Criteria Version 2. Collection method: clinical testing. Allele origin: germline. Affected: yes. Observed: 3 variant alleles.
Comment: TAF2: BS1, BS2

Genetic Services Laboratory, University of Chicago
Classification: Benign. Last evaluated: 2018-04-03. Review status: criteria provided, single submitter. Criteria: ACMG Guidelines, 2015. Collection method: clinical testing. Allele origin: germline. Affected: no.

NM_003184.4(TAF2):c.1262G>A (p.Gly421Glu)

Gene: TAF2 (TATA-box binding protein associated factor 2; minus strand). Cytogenetic location: 8q24.12.
Variant type: single nucleotide variant.
Coding change: c.1262G>A on transcript NM_003184.4 (MANE Select); coding-DNA position 1262, G replaced by A.
Protein change: p.Gly421Glu; replaces glycine 421 with glutamic acid.
Molecular consequence: missense variant.
Genome position (GRCh38, 1-based): chr8:119,793,381, C>T on the plus strand (G>A on the coding strand, the complement: TAF2 is on the minus strand). VCF-style: chr8-119793381-C-T. GRCh37 (hg19) VCF-style: chr8-120805621-C-T.
Other names: short protein forms G421E.
Identifiers: ClinVar variation 1336036 (VCV001336036.33), dbSNP rs61753748, ClinGen allele CA4857345.